The following is an entry in ClinVar:

ClinVar aggregate classification (germline): Conflicting classifications of pathogenicity. Review status: criteria provided, conflicting classifications (1 of 4 stars). 5 submissions from 5 submitters: Likely pathogenic (4); Uncertain significance (1). Last evaluated 2026-07-29.

Conditions:
Metachromatic leukodystrophy (MLD). Also called: SULFATIDE LIPIDOSIS; ARSA DEFICIENCY; CEREBROSIDE SULFATASE DEFICIENCY; METACHROMATIC LEUKOENCEPHALOPATHY; Cerebral sclerosis diffuse metachromatic form; Arylsulfatase A Deficiency. Identifiers: Orphanet 512, MedGen C0023522, MONDO:0018868, OMIM 250100.

Allele frequency attached by ClinVar (database versions not stated): gnomAD exomes below 0.00001; TOPMed below 0.00001; gnomAD 0.00001.
gnomAD v4.1: 5 of 1,606,882 alleles (0.00031%); highest among the groups gnomAD compares: Non-Finnish European, 0.00042%; no homozygotes.

Submissions (5):

Myriad Genetics, Inc.
Classification: Uncertain significance for Metachromatic leukodystrophy. Last evaluated: 2026-07-29. Review status: criteria provided, single submitter. Criteria: Myriad Autosomal Dominant, Autosomal Recessive and X-Linked Classification Criteria (2023). Collection method: clinical testing. Allele origin: unknown.
Comment: NM_000487.5(ARSA):c.248T>C(L83P) is a missense variant classified as a variant of uncertain significance in the context of metachromatic leukodystrophy. L83P has been observed in a case with relevant disease (PMID: 24001781). Relevant functional assessments of this variant are not available in the literature. L83P has been observed in referenced population frequency databases. In summary, there is insufficient evidence to classify NM_000487.5(ARSA):c.248T>C(L83P) as pathogenic or benign. Please note: this variant was assessed in the context of healthy population screening.

Women's Health and Genetics/Laboratory Corporation of America, LabCorp
Classification: Likely pathogenic for Metachromatic leukodystrophy. Last evaluated: 2025-09-23. Review status: criteria provided, single submitter. Criteria: LabCorp Variant Classification Summary - May 2015. Collection method: clinical testing. Allele origin: germline.
Comment: Variant summary: ARSA c.248T>C (p.Leu83Pro) results in a non-conservative amino acid change in the encoded protein sequence. Algorithms developed to predict the effect of missense changes on protein structure and function all suggest that this variant is likely to be disruptive. The variant allele was found at a frequency of 4.3e-06 in 230062 control chromosomes. The available data on variant occurrences in the general population are insufficient to allow any conclusion about variant significance. c.248T>C has been observed in trans with a pathogenic variant in at least one individual affected with Metachromatic Leukodystrophy (Luzi_2013). At least one publication reports experimental evidence evaluating an impact on protein function in patient sample(s). The most pronounced variant effect results in <10% of normal activity (Luzi_2013). The following publications have been ascertained in the context of this evaluation (PMID: 24001781, 26462614). ClinVar contains an entry for this variant (Variation ID: 1686649). Based on the evidence outlined above, the variant was classified as likely pathogenic.

Labcorp Genetics (formerly Invitae), Labcorp
Classification: Likely pathogenic for Metachromatic leukodystrophy. Last evaluated: 2024-11-15. Review status: criteria provided, single submitter. Criteria: Invitae Variant Classification Sherloc (09022015). Collection method: clinical testing. Allele origin: germline.
Comment: This sequence change replaces leucine, which is neutral and non-polar, with proline, which is neutral and non-polar, at codon 83 of the ARSA protein (p.Leu83Pro). The frequency data for this variant in the population databases is considered unreliable, as metrics indicate poor data quality at this position in the gnomAD database. This missense change has been observed in individual(s) with metachromatic leukodystrophy (PMID: 24001781). In at least one individual the data is consistent with being in trans (on the opposite chromosome) from a pathogenic variant. This variant is also known as Leu81Pro. ClinVar contains an entry for this variant (Variation ID: 1686649). Invitae Evidence Modeling of protein sequence and biophysical properties (such as structural, functional, and spatial information, amino acid conservation, physicochemical variation, residue mobility, and thermodynamic stability) indicates that this missense variant is expected to disrupt ARSA protein function with a positive predictive value of 95%. In summary, the currently available evidence indicates that the variant is pathogenic, but additional data are needed to prove that conclusively. Therefore, this variant has been classified as Likely Pathogenic.

Fulgent Genetics
Classification: Likely pathogenic for Metachromatic leukodystrophy. Last evaluated: 2024-03-18. Review status: criteria provided, single submitter. Criteria: ACMG Guidelines, 2015. Collection method: clinical testing. Allele origin: germline.

Mayo Clinic Laboratories, Mayo Clinic
Classification: Likely pathogenic. Last evaluated: 2021-12-21. Review status: criteria provided, single submitter. Criteria: ACMG Guidelines, 2015. Collection method: clinical testing. Allele origin: germline.
Comment: PP3, PP4, PM2, PM3

Literature cited by the submitters: PubMed 24001781 (cited by 4 submitters); PubMed 26462614 (cited by Women's Health and Genetics/Laboratory Corporation of America, LabCorp).

NM_000487.6(ARSA):c.248T>C (p.Leu83Pro)

Gene: ARSA (arylsulfatase A; minus strand). Cytogenetic location: 22q13.33.
Variant type: single nucleotide variant.
Coding change: c.248T>C on transcript NM_000487.6 (MANE Select); coding-DNA position 248, T replaced by C.
Protein change: p.Leu83Pro; replaces leucine 83 with proline.
Molecular consequence: missense variant. On other transcripts: 5 prime UTR variant (2).
Genome position (GRCh38, 1-based): chr22:50,627,383, A>G on the plus strand (T>C on the coding strand, the complement: ARSA is on the minus strand). VCF-style: chr22-50627383-A-G. GRCh37 (hg19) VCF-style: chr22-51065811-A-G.
Other names: p.Leu81Pro; c.-11T>C (NM_001362782.2, NM_001085428.3); c.248T>C, p.Leu83Pro (NM_001085425.3, NM_001085426.3, NM_001085427.3); short protein forms L83P.
Identifiers: ClinVar variation 1686649 (VCV001686649.13), dbSNP rs1190061000, ClinGen allele CA412181861.